The following is an entry in ClinVar:

ClinVar aggregate classification (germline): Uncertain significance (1 of 4 stars; one submission).

Allele frequency attached by ClinVar (database versions not stated): ExAC 0.00001; gnomAD 0.00001; gnomAD exomes 0.00001; TOPMed 0.00001; 1000 Genomes Project 30x 0.00016; 1000 Genomes Project 0.00020.
gnomAD v4.1: 11 of 1,614,036 alleles (0.00068%); highest among the groups gnomAD compares: Admixed American, 0.013%; no homozygotes.

Submission:

Labcorp Genetics (formerly Invitae), Labcorp
Classification: Uncertain significance. Last evaluated: 2024-03-29. Review status: criteria provided, single submitter. Criteria: Invitae Variant Classification Sherloc (09022015). Collection method: clinical testing. Allele origin: germline.
Comment: This sequence change replaces cysteine, which is neutral and slightly polar, with tryptophan, which is neutral and slightly polar, at codon 542 of the INTU protein (p.Cys542Trp). This variant is not present in population databases (gnomAD no frequency). This variant has not been reported in the literature in individuals affected with INTU-related conditions. ClinVar contains an entry for this variant (Variation ID: 2183749). Advanced modeling of protein sequence and biophysical properties (such as structural, functional, and spatial information, amino acid conservation, physicochemical variation, residue mobility, and thermodynamic stability) has been performed at Invitae for this missense variant, however the output from this modeling did not meet the statistical confidence thresholds required to predict the impact of this variant on INTU protein function. In summary, the available evidence is currently insufficient to determine the role of this variant in disease. Therefore, it has been classified as a Variant of Uncertain Significance.

NM_015693.4(INTU):c.1626T>G (p.Cys542Trp)

Gene: INTU (inturned planar cell polarity protein; plus strand). Cytogenetic location: 4q28.1.
Variant type: single nucleotide variant.
Coding change: c.1626T>G on transcript NM_015693.4 (MANE Select); coding-DNA position 1626, T replaced by G.
Protein change: p.Cys542Trp; replaces cysteine 542 with tryptophan.
Molecular consequence: missense variant.
Genome position (GRCh38, 1-based): chr4:127,705,650, T>G. VCF-style: chr4-127705650-T-G. GRCh37 (hg19) VCF-style: chr4-128626805-T-G.
Other names: short protein forms C542W.
Identifiers: ClinVar variation 2183749 (VCV002183749.4), dbSNP rs189273899, ClinGen allele CA3075151.